The following is an entry in ClinVar:

NM_001876.4(CPT1A):c.963G>A (p.Glu321=)

Gene: CPT1A (carnitine palmitoyltransferase 1A; minus strand). Cytogenetic location: 11q13.3.
Variant type: single nucleotide variant.
Coding change: c.963G>A on transcript NM_001876.4 (MANE Select); coding-DNA position 963, G replaced by A.
Protein change: p.Glu321=; no amino-acid change (glutamic acid 321 retained).
Molecular consequence: synonymous variant.
Genome position (GRCh38, 1-based): chr11:68,793,319, C>T on the plus strand (G>A on the coding strand, the complement: CPT1A is on the minus strand). VCF-style: chr11-68793319-C-T. GRCh37 (hg19) VCF-style: chr11-68560787-C-T.
Other names: p.E321E:GAG>GAA; p.Glu321=; c.963G>A, p.Glu321= (NM_001031847.3).
Identifiers: ClinVar variation 93977 (VCV000093977.18), dbSNP rs2229737, ClinGen allele CA285503.
Genomic context (GRCh38, chr11:68,793,319, plus strand): 5'-AGCATAGGGATGGAAAGTGCCGATTCTCCAGGGGGCCCTGAAGAAGCTTGACTCACCTGT[C>T]TCCTCTCCTGGGATCCGGGAAGTATTAAACATCCGCTCCCACTGAGCGGAGCAGAGTGGA-3'
Protein context (NP_001867.2, residues 311-331): MFNTSRIPGE[Glu321=]TDTIQHMRDS

ClinVar aggregate classification (germline): Benign. Review status: criteria provided, multiple submitters, no conflicts (2 of 4 stars). 7 submissions from 7 submitters: Benign (6). 1 of the submissions does not count toward it. Last evaluated 2026-02-04.

Conditions:
Carnitine palmitoyl transferase 1A deficiency. Also called: Carnitine palmitoyltransferase type I deficiency; CPT I DEFICIENCY; CPT DEFICIENCY, HEPATIC, TYPE I; Carnitine palmitoyltransferase 1A deficiency; CPT deficiency, hepatic, type IA. Identifiers: Orphanet 156, MedGen C1829703, MONDO:0009705, OMIM 255120.

Allele frequency attached by ClinVar (database versions not stated): 1000 Genomes Project 30x 0.05028; 1000 Genomes Project 0.05092; gnomAD 0.08241 and 0.08543; ESP Exome Variant Server 0.08292; TOPMed 0.08360; gnomAD exomes 0.09210 and 0.09786; ExAC 0.10355.
gnomAD v4.1: 155,340 of 1,607,748 alleles (9.7%); highest among the groups gnomAD compares: Non-Finnish European, 10%; 8,192 homozygotes.

Submissions (7):

Labcorp Genetics (formerly Invitae), Labcorp
Classification: Benign for Carnitine palmitoyl transferase 1A deficiency. Last evaluated: 2026-02-04. Review status: criteria provided, single submitter. Criteria: Invitae Variant Classification Sherloc (09022015). Collection method: clinical testing. Allele origin: germline.

Mayo Clinic Laboratories, Mayo Clinic
Classification: Benign. Last evaluated: 2022-04-26. Review status: criteria provided, single submitter. Criteria: ACMG Guidelines, 2015. Collection method: clinical testing. Allele origin: germline. Observed: 18 variant alleles.

Genome-Nilou Lab
Classification: Benign for Carnitine palmitoyl transferase 1A deficiency. Last evaluated: 2021-07-01. Review status: criteria provided, single submitter. Criteria: ACMG Guidelines, 2015. Collection method: clinical testing. Allele origin: germline. Affected: no.

Eurofins Ntd Llc (ga)
Classification: Benign. Last evaluated: 2016-03-16. Review status: criteria provided, single submitter. Criteria: EGL Classification Definitions 2015. Collection method: clinical testing. Allele origin: germline. Observed: 8 variant alleles, 8 heterozygotes.

GeneDx
Classification: Benign. Last evaluated: 2013-11-01. Review status: criteria provided, single submitter. Criteria: GeneDx Variant Classification (06012015). Collection method: clinical testing. Allele origin: germline. Affected: yes.
Comment: This variant is considered likely benign or benign based on one or more of the following criteria: it is a conservative change, it occurs at a poorly conserved position in the protein, it is predicted to be benign by multiple in silico algorithms, and/or has population frequency not consistent with disease.

Breakthrough Genomics
Classification: Benign. Review status: criteria provided, single submitter. Criteria: ACMG Guidelines, 2015. Collection method: not provided. Allele origin: germline. Inheritance: Autosomal recessive inheritance. Affected: yes.

Natera, Inc.
Classification: Benign for Carnitine palmitoyltransferase type I deficiency. Last evaluated: 2020-09-16. Review status: no assertion criteria provided. Collection method: clinical testing. Allele origin: germline. Not counted in ClinVar's aggregate classification.